The following is an entry in ClinVar:

ClinVar aggregate classification (germline): Pathogenic (1 of 4 stars; one submission).

Conditions:
Vici syndrome (VICIS). Identifiers: Orphanet 1493, MedGen C1855772, MONDO:0009452, OMIM 242840.

Submission:

Rady Children's Institute for Genomic Medicine, Rady Children's Hospital San Diego
Classification: Pathogenic for VICI SYNDROME. Last evaluated: 2019-10-10. Review status: criteria provided, single submitter. Criteria: ACMG Guidelines, 2015. Collection method: clinical testing. Allele origin: germline. Affected: yes.
Comment: This nonsense variant found in exon 10 of 44 is predicted to result in loss of normal protein function. It is absent from the ExAC and gnomAD population databases and thus is presumed to be rare. Based on the available evidence, the c.2066del (p.Leu689Ter) variant is classified as Pathogenic.

NM_020964.3(EPG5):c.2066del (p.Phe688_Leu689insTer)

Gene: EPG5 (ectopic P-granules 5 autophagy tethering factor; minus strand). Cytogenetic location: 18q21.1.
Variant type: Deletion.
Coding change: c.2066del on transcript NM_020964.3 (MANE Select); coding-DNA position 2066, one base deleted (T; older notation c.2066delT).
Protein change: p.Phe688_Leu689insTer.
Molecular consequence: nonsense.
Genome position (GRCh38, 1-based): chr18:45,939,633, A deleted on the plus strand (T on the coding strand, the reverse complement: EPG5 is on the minus strand); the first of 5 consecutive A bases (chr18:45,939,633-45,939,637); deleting any one gives the same sequence. VCF-style (leftmost placement, unchanged base first): chr18-45939632-CA-C. GRCh37 (hg19) VCF-style: chr18-43519598-CA-C.
Identifiers: ClinVar variation 986342 (VCV000986342.2), dbSNP rs2050617604, ClinGen allele CA1139666050.